The following is an entry in ClinVar:

NM_032043.3(BRIP1):c.1201T>C (p.Cys401Arg)

Gene: BRIP1 (BRCA1 interacting DNA helicase 1; minus strand). Cytogenetic location: 17q23.2.
Variant type: single nucleotide variant.
Coding change: c.1201T>C on transcript NM_032043.3 (MANE Select); coding-DNA position 1201, T replaced by C.
Protein change: p.Cys401Arg; replaces cysteine 401 with arginine.
Molecular consequence: missense variant.
Genome position (GRCh38, 1-based): chr17:61,799,239, A>G on the plus strand (T>C on the coding strand, the complement: BRIP1 is on the minus strand). VCF-style: chr17-61799239-A-G. GRCh37 (hg19) VCF-style: chr17-59876600-A-G.
Other names: short protein forms C401R.
Identifiers: ClinVar variation 580750 (VCV000580750.19), dbSNP rs756636362, ClinGen allele CA8690776.

ClinVar aggregate classification (germline): Uncertain significance. Review status: criteria provided, multiple submitters, no conflicts (2 of 4 stars). 3 submissions from 3 submitters: Uncertain significance (3). Last evaluated 2024-09-10.

Conditions:
Hereditary cancer-predisposing syndrome. Also called: Hereditary neoplastic syndrome; Tumor predisposition; Hereditary Cancer Syndrome; Neoplastic Syndromes, Hereditary. Identifiers: Orphanet 140162, MedGen C0027672, MeSH D009386, MONDO:0015356.
Fanconi anemia complementation group J. Also called: BRIP1-Related Fanconi Anemia. Identifiers: Orphanet 84, MedGen C1836860, MONDO:0012187, OMIM 609054.
Familial cancer of breast. Also called: hereditary breast carcinoma; BREAST CANCER, FAMILIAL; Hereditary breast cancer. Identifiers: Orphanet 227535, MedGen C0346153, MONDO:0016419, OMIM 114480. Disease mechanism: loss of function.

Allele frequency attached by ClinVar (database versions not stated): gnomAD exomes below 0.00001; TOPMed below 0.00001; ExAC 0.00001.
gnomAD v4.1: 2 of 1,613,694 alleles (0.00012%); highest among the groups gnomAD compares: East Asian, 0.0045%; no homozygotes.

Submissions (3):

Ambry Genetics
Classification: Uncertain significance for Hereditary cancer-predisposing syndrome. Last evaluated: 2024-09-10. Review status: criteria provided, single submitter. Criteria: Ambry Variant Classification Scheme 2023. Collection method: clinical testing. Allele origin: germline.
Comment: The p.C401R variant (also known as c.1201T>C), located in coding exon 8 of the BRIP1 gene, results from a T to C substitution at nucleotide position 1201. The cysteine at codon 401 is replaced by arginine, an amino acid with highly dissimilar properties. This amino acid position is well conserved in available vertebrate species. In addition, the in silico prediction for this alteration is inconclusive. Based on the available evidence, the clinical significance of this variant remains unclear.

Color Diagnostics, LLC DBA Color Health
Classification: Uncertain significance for Hereditary cancer-predisposing syndrome. Last evaluated: 2023-09-18. Review status: criteria provided, single submitter. Criteria: ACMG Guidelines, 2015. Collection method: clinical testing. Allele origin: germline.
Comment: This missense variant replaces cysteine with arginine at codon 401 of the BRIP1 protein. Computational prediction suggests that this variant may not impact protein structure and function (internally defined REVEL score threshold <= 0.5, PMID: 27666373). To our knowledge, functional studies have not been reported for this variant. This variant has not been reported in individuals affected with BRIP1-related disorders in the literature. This variant has been identified in 1/250896 chromosomes in the general population by the Genome Aggregation Database (gnomAD). The available evidence is insufficient to determine the role of this variant in disease conclusively. Therefore, this variant is classified as a Variant of Uncertain Significance.

Labcorp Genetics (formerly Invitae), Labcorp
Classification: Uncertain significance for Familial cancer of breast; Fanconi anemia complementation group J. Last evaluated: 2022-11-09. Review status: criteria provided, single submitter. Criteria: Invitae Variant Classification Sherloc (09022015). Collection method: clinical testing. Allele origin: germline.
Comment: This variant has not been reported in the literature in individuals affected with BRIP1-related conditions. In summary, the available evidence is currently insufficient to determine the role of this variant in disease. Therefore, it has been classified as a Variant of Uncertain Significance. Advanced modeling of protein sequence and biophysical properties (such as structural, functional, and spatial information, amino acid conservation, physicochemical variation, residue mobility, and thermodynamic stability) performed at Invitae indicates that this missense variant is expected to disrupt BRIP1 protein function. ClinVar contains an entry for this variant (Variation ID: 580750). This variant is present in population databases (rs756636362, gnomAD 0.006%). This sequence change replaces cysteine, which is neutral and slightly polar, with arginine, which is basic and polar, at codon 401 of the BRIP1 protein (p.Cys401Arg).